The following is an entry in ClinVar:

ClinVar aggregate classification (germline): Uncertain significance (1 of 4 stars; one submission).

Conditions:
Leber congenital amaurosis 13 (LCA13). Identifiers: MedGen C2675186, MONDO:0012990, OMIM 612712.

Submission:

Labcorp Genetics (formerly Invitae), Labcorp
Classification: Uncertain significance for Leber congenital amaurosis 13. Last evaluated: 2022-06-22. Review status: criteria provided, single submitter. Criteria: Invitae Variant Classification Sherloc (09022015). Collection method: clinical testing. Allele origin: germline.
Comment: This variant is not present in population databases (gnomAD no frequency). This variant has not been reported in the literature in individuals affected with RDH12-related conditions. Variants that disrupt the consensus splice site are a relatively common cause of aberrant splicing (PMID: 17576681, 9536098). Algorithms developed to predict the effect of sequence changes on RNA splicing suggest that this variant may disrupt the consensus splice site. In summary, the available evidence is currently insufficient to determine the role of this variant in disease. Therefore, it has been classified as a Variant of Uncertain Significance. This sequence change falls in intron 5 of the RDH12 gene. It does not directly change the encoded amino acid sequence of the RDH12 protein. It affects a nucleotide within the consensus splice site.

Literature cited by the submitters: PubMed 17576681; PubMed 9536098.

NM_152443.3(RDH12):c.343+6G>T

Genes: GPHN (gephyrin; plus strand), RDH12 (retinol dehydrogenase 12; plus strand). Cytogenetic location: 14q24.1.
Variant type: single nucleotide variant.
Coding change: c.343+6G>T on transcript NM_152443.3 (MANE Select); 6 bases into the intron after coding-DNA position 343, G replaced by T.
Molecular consequence: intron variant.
Genome position (GRCh38, 1-based): chr14:67,725,260, G>T. VCF-style: chr14-67725260-G-T. GRCh37 (hg19) VCF-style: chr14-68191977-G-T.
Identifiers: ClinVar variation 1957385 (VCV001957385.5), dbSNP rs776478063, ClinGen allele CA2580088596.